The following is an entry in ClinVar:

NM_032447.5(FBN3):c.4319G>T (p.Gly1440Val)

Gene: FBN3 (fibrillin 3; minus strand). Cytogenetic location: 19p13.2.
Variant type: single nucleotide variant.
Coding change: c.4319G>T on transcript NM_032447.5 (MANE Select); coding-DNA position 4319, G replaced by T.
Protein change: p.Gly1440Val; replaces glycine 1440 with valine.
Molecular consequence: missense variant.
Genome position (GRCh38, 1-based): chr19:8,110,859, C>A on the plus strand (G>T on the coding strand, the complement: FBN3 is on the minus strand). VCF-style: chr19-8110859-C-A. GRCh37 (hg19) VCF-style: chr19-8175743-C-A.
Other names: c.4319G>T, p.Gly1440Val (NM_001321431.2); short protein forms G1440V.
Identifiers: ClinVar variation 1474943 (VCV001474943.6), dbSNP rs1256701868, ClinGen allele CA403739391.

ClinVar aggregate classification (germline): Uncertain significance (1 of 4 stars; one submission).

Allele frequency attached by ClinVar (database versions not stated): gnomAD exomes below 0.00001.

Submission:

Labcorp Genetics (formerly Invitae), Labcorp
Classification: Uncertain significance. Last evaluated: 2022-07-12. Review status: criteria provided, single submitter. Criteria: Invitae Variant Classification Sherloc (09022015). Collection method: clinical testing. Allele origin: germline.
Comment: Algorithms developed to predict the effect of missense changes on protein structure and function are either unavailable or do not agree on the potential impact of this missense change (SIFT: "Not Available"; PolyPhen-2: "Probably Damaging"; Align-GVGD: "Not Available"). In summary, the available evidence is currently insufficient to determine the role of this variant in disease. Therefore, it has been classified as a Variant of Uncertain Significance. ClinVar contains an entry for this variant (Variation ID: 1474943). This variant has not been reported in the literature in individuals affected with FBN3-related conditions. This variant is present in population databases (no rsID available, gnomAD 0.0009%). This sequence change replaces glycine with valine at codon 1440 of the FBN3 protein (p.Gly1440Val). The glycine residue is highly conserved and there is a moderate physicochemical difference between glycine and valine.